The following is an entry in ClinVar:

NM_033380.3(COL4A5):c.3169G>A (p.Gly1057Arg)

Gene: COL4A5 (collagen type IV alpha 5 chain; plus strand). Cytogenetic location: Xq22.3.
Variant type: single nucleotide variant.
Coding change: c.3169G>A on transcript NM_033380.3 (MANE Select); coding-DNA position 3169, G replaced by A.
Protein change: p.Gly1057Arg; replaces glycine 1057 with arginine.
Molecular consequence: missense variant.
Genome position (GRCh38, 1-based): chrX:108,626,272, G>A. VCF-style: chrX-108626272-G-A. GRCh37 (hg19) VCF-style: chrX-107869502-G-A.
Other names: c.3169G>A, p.Gly1057Arg (NM_000495.5); short protein forms G1057R.
Identifiers: ClinVar variation 4802188 (VCV004802188.1).

ClinVar aggregate classification (germline): Likely pathogenic (1 of 4 stars; one submission).

Submission:

Labcorp Genetics (formerly Invitae), Labcorp
Classification: Likely pathogenic. Last evaluated: 2025-08-03. Review status: criteria provided, single submitter. Criteria: Invitae Variant Classification Sherloc (09022015). Collection method: clinical testing. Allele origin: germline.
Comment: This sequence change replaces glycine, which is neutral and non-polar, with arginine, which is basic and polar, at codon 1057 of the COL4A5 protein (p.Gly1057Arg). This variant is not present in population databases (gnomAD no frequency). This missense change has been observed in individual(s) with COL4A5-related conditions (internal data). Invitae Evidence Modeling of protein sequence and biophysical properties (such as structural, functional, and spatial information, amino acid conservation, physicochemical variation, residue mobility, and thermodynamic stability) indicates that this missense variant is expected to disrupt COL4A5 protein function with a positive predictive value of 95%. This variant disrupts the triple helix domain of COL4A5. Glycine residues within the Gly-Xaa-Yaa repeats of the triple helix domain are required for the structure and stability of fibrillar collagens (PMID: 7695699, 8218237, 19344236). In COL4A5, missense variants at these glycine residues are significantly enriched in individuals with disease (PMID: 23720012, 27627812) compared to the general population (ExAC). This variant disrupts the p.Gly1057 amino acid residue in COL4A5. Other variant(s) that disrupt this residue have been observed in individuals with COL4A5-related conditions (PMID: 30577881; internal data), which suggests that this may be a clinically significant amino acid residue. In summary, the currently available evidence indicates that the variant is pathogenic, but additional data are needed to prove that conclusively. Therefore, this variant has been classified as Likely Pathogenic.

Literature cited by the submitters: PubMed 7695699; PubMed 8218237; PubMed 19344236; PubMed 23720012; PubMed 27627812; PubMed 30577881.